The following is an entry in ClinVar:

ClinVar aggregate classification (germline): Likely benign (1 of 4 stars; one submission).

gnomAD v4.1: 508 of 1,613,624 alleles (0.031%); highest among the groups gnomAD compares: African/African-American, 0.22%; no homozygotes.

Submission:

Mayo Clinic Laboratories, Mayo Clinic
Classification: Likely benign. Last evaluated: 2025-07-29. Review status: criteria provided, single submitter. Criteria: ACMG Guidelines, 2015. Collection method: clinical testing. Allele origin: germline. Observed: 1 variant allele.
Comment: BP4, BP7

NM_007098.4(CLTCL1):c.4542G>T (p.Leu1514=)

Gene: CLTCL1 (clathrin heavy chain like 1; minus strand). Cytogenetic location: 22q11.21.
Variant type: single nucleotide variant.
Coding change: c.4542G>T on transcript NM_007098.4 (MANE Select); coding-DNA position 4542, G replaced by T.
Protein change: p.Leu1514=; no amino-acid change (leucine 1514 retained).
Molecular consequence: synonymous variant. On other transcripts: intron variant (1).
Genome position (GRCh38, 1-based): chr22:19,187,621, C>A on the plus strand (G>T on the coding strand, the complement: CLTCL1 is on the minus strand). VCF-style: chr22-19187621-C-A. GRCh37 (hg19) VCF-style: chr22-19175133-C-A.
Other names: p.Leu1514=; c.4434+360G>T (NM_001835.4).
Identifiers: ClinVar variation 4684450 (VCV004684450.1).